The following is an entry in ClinVar:

ClinVar aggregate classification (germline): Uncertain significance (1 of 4 stars; one submission).

Conditions:
Neuropathy, hereditary sensory and autonomic, type 2A (HSAN2A). Also called: ACROOSTEOLYSIS, GIACCAI TYPE; ACROOSTEOLYSIS, NEUROGENIC; MORVAN DISEASE; NEUROPATHY, CONGENITAL SENSORY; NEUROPATHY, HEREDITARY SENSORY RADICULAR, AUTOSOMAL RECESSIVE; NEUROPATHY, HEREDITARY SENSORY, TYPE IIA. Identifiers: Orphanet 970, MedGen C2752089, MONDO:0024309, OMIM 201300.
Pseudohypoaldosteronism type 2C (PHA2C). Also called: Pseudohypoaldosteronism Type IIC. Identifiers: Orphanet 757, Orphanet 88940, MedGen C1840391, MONDO:0013778, OMIM 614492.

gnomAD v4.1: 1 of 1,614,114 alleles (0.000062%); highest among the groups gnomAD compares: African/African-American, 0.0013%; no homozygotes.

Submission:

Labcorp Genetics (formerly Invitae), Labcorp
Classification: Uncertain significance for Neuropathy, hereditary sensory and autonomic, type 2A; Pseudohypoaldosteronism type 2C. Last evaluated: 2024-02-13. Review status: criteria provided, single submitter. Criteria: Invitae Variant Classification Sherloc (09022015). Collection method: clinical testing. Allele origin: germline.
Comment: This sequence change replaces proline, which is neutral and non-polar, with arginine, which is basic and polar, at codon 1844 of the WNK1 protein (p.Pro1844Arg). This variant is not present in population databases (gnomAD no frequency). This variant has not been reported in the literature in individuals affected with WNK1-related conditions. Advanced modeling of protein sequence and biophysical properties (such as structural, functional, and spatial information, amino acid conservation, physicochemical variation, residue mobility, and thermodynamic stability) performed at Invitae indicates that this missense variant is not expected to disrupt WNK1 protein function with a negative predictive value of 95%. In summary, the available evidence is currently insufficient to determine the role of this variant in disease. Therefore, it has been classified as a Variant of Uncertain Significance.

NM_018979.4(WNK1):c.4775C>G (p.Pro1592Arg)

Gene: WNK1 (WNK lysine deficient protein kinase 1; plus strand). Cytogenetic location: 12p13.33.
Variant type: single nucleotide variant.
Coding change: c.4775C>G on transcript NM_018979.4 (MANE Select); coding-DNA position 4775, C replaced by G.
Protein change: p.Pro1592Arg; replaces proline 1592 with arginine.
Molecular consequence: missense variant.
Genome position (GRCh38, 1-based): chr12:885,579, C>G. VCF-style: chr12-885579-C-G. GRCh37 (hg19) VCF-style: chr12-994745-C-G.
Other names: c.5555C>G, p.Pro1852Arg (NM_001184985.2); c.4034C>G, p.Pro1345Arg (NM_014823.3); c.5531C>G, p.Pro1844Arg (NM_213655.5); short protein forms P1345R, P1592R, P1844R, P1852R.
Identifiers: ClinVar variation 3753841 (VCV003753841.2).